The following is an entry in ClinVar:

ClinVar aggregate classification (germline): Uncertain significance (1 of 4 stars; one submission).

Submission:

Labcorp Genetics (formerly Invitae), Labcorp
Classification: Uncertain significance. Last evaluated: 2022-05-27. Review status: criteria provided, single submitter. Criteria: Invitae Variant Classification Sherloc (09022015). Collection method: clinical testing. Allele origin: germline.
Comment: This variant has not been reported in the literature in individuals affected with SLC25A1-related conditions. In summary, the available evidence is currently insufficient to determine the role of this variant in disease. Therefore, it has been classified as a Variant of Uncertain Significance. Algorithms developed to predict the effect of missense changes on protein structure and function are either unavailable or do not agree on the potential impact of this missense change (SIFT: "Deleterious"; PolyPhen-2: "Benign"; Align-GVGD: "Class C0"). This variant is not present in population databases (gnomAD no frequency). This sequence change replaces phenylalanine, which is neutral and non-polar, with leucine, which is neutral and non-polar, at codon 44 of the SLC25A1 protein (p.Phe44Leu).

NM_005984.5(SLC25A1):c.130T>C (p.Phe44Leu)

Gene: SLC25A1 (solute carrier family 25 member 1; minus strand). Cytogenetic location: 22q11.21.
Variant type: single nucleotide variant.
Coding change: c.130T>C on transcript NM_005984.5 (MANE Select); coding-DNA position 130, T replaced by C.
Protein change: p.Phe44Leu; replaces phenylalanine 44 with leucine.
Molecular consequence: missense variant. On other transcripts: 5 prime UTR variant (1), non-coding transcript variant (1).
Genome position (GRCh38, 1-based): chr22:19,178,205, A>G on the plus strand (T>C on the coding strand, the complement: SLC25A1 is on the minus strand). VCF-style: chr22-19178205-A-G. GRCh37 (hg19) VCF-style: chr22-19165718-A-G.
Other names: c.151T>C, p.Phe51Leu (NM_001256534.2); c.-180T>C (NM_001287387.2); short protein forms F51L, F44L.
Identifiers: ClinVar variation 1996841 (VCV001996841.4), dbSNP rs2517258590, ClinGen allele CA410643172.
Genomic context (GRCh38, chr22:19,178,205, plus strand): 5'-ACCGCGGCGGGTGCGAGCGCTCGTCCAGCTGCAGCTGCGTCTTCACGTACTCGGTGGGGA[A>G]GGTGATGCAGATCTCGATGCCACCCGCCAGGCCGCCTGCAGGGACCGGGAACCCGCTCCT-3'
Protein context (NP_005975.1, residues 34-54): LAGGIEICIT[Phe44Leu]PTEYVKTQLQ